The following is an entry in ClinVar:

NM_000516.7(GNAS):c.702G>A (p.Trp234Ter)

Gene: GNAS (GNAS complex locus; plus strand). Cytogenetic location: 20q13.32.
Variant type: single nucleotide variant.
Coding change: c.702G>A on transcript NM_000516.7 (MANE Select); coding-DNA position 702, G replaced by A.
Protein change: p.Trp234Ter; replaces tryptophan 234 with a stop codon.
Molecular consequence: nonsense. On other transcripts: 3 prime UTR variant (2).
Genome position (GRCh38, 1-based): chr20:58,909,563, G>A. VCF-style: chr20-58909563-G-A. GRCh37 (hg19) VCF-style: chr20-57484618-G-A.
Other names: c.705G>A, p.Trp235Ter (NM_001077488.5); c.657G>A, p.Trp219Ter (NM_001077489.4); c.*563G>A (NM_001077490.3); c.525G>A, p.Trp175Ter (NM_001309840.2, NM_001309861.2); c.606G>A, p.Trp202Ter (NM_001410912.1); c.2586G>A, p.Trp862Ter (NM_001410913.1); c.*608G>A (NM_016592.5); c.2631G>A, p.Trp877Ter (NM_080425.4); and 1 more; short protein forms W235*, W175*, W202*, W234*, W862*, W219*, W220*, W877*.
Identifiers: ClinVar variation 2088143 (VCV002088143.4), dbSNP rs2091303526, ClinGen allele CA409452349.

ClinVar aggregate classification (germline): Pathogenic (1 of 4 stars; one submission).

Submission:

Labcorp Genetics (formerly Invitae), Labcorp
Classification: Pathogenic. Last evaluated: 2022-03-10. Review status: criteria provided, single submitter. Criteria: Invitae Variant Classification Sherloc (09022015). Collection method: clinical testing. Allele origin: germline.
Comment: For these reasons, this variant has been classified as Pathogenic. This premature translational stop signal has been observed in individuals with GNAS-related conditions (PMID: 29059381). This variant is not present in population databases (gnomAD no frequency). This sequence change creates a premature translational stop signal (p.Trp234*) in the GNAS gene. It is expected to result in an absent or disrupted protein product. Loss-of-function variants in GNAS are known to be pathogenic (PMID: 11784876, 23281139, 23796510, 25802881).

Literature cited by the submitters: PubMed 29059381; PubMed 11784876; PubMed 23281139; PubMed 23796510; PubMed 25802881.